The following is an entry in ClinVar:

ClinVar aggregate classification (germline): Uncertain significance. Review status: criteria provided, multiple submitters, no conflicts (2 of 4 stars). 2 submissions from 2 submitters: Uncertain significance (2). Last evaluated 2025-02-07.

Conditions:
Inborn genetic diseases. Identifiers: MedGen C0950123, MeSH D030342.

gnomAD v4.1: 2 of 1,612,084 alleles (0.00012%); highest among the groups gnomAD compares: Non-Finnish European, 0.00017%; no homozygotes.

Submissions (2):

Ambry Genetics
Classification: Uncertain significance for Inborn genetic diseases. Last evaluated: 2025-02-07. Review status: criteria provided, single submitter. Criteria: Ambry Variant Classification Scheme 2023. Collection method: clinical testing. Allele origin: germline.

GeneDx
Classification: Uncertain significance. Last evaluated: 2024-12-05. Review status: criteria provided, single submitter. Criteria: GeneDx Variant Classification Process June 2021. Collection method: clinical testing. Allele origin: germline. Affected: yes.
Comment: Not observed at significant frequency in large population cohorts (gnomAD); In silico analysis indicates that this missense variant does not alter protein structure/function; Has not been previously published as pathogenic or benign to our knowledge

NM_016148.5(SHANK1):c.2726G>A (p.Ser909Asn)

Gene: SHANK1 (SH3 and multiple ankyrin repeat domains 1; minus strand). Cytogenetic location: 19q13.33.
Variant type: single nucleotide variant.
Coding change: c.2726G>A on transcript NM_016148.5 (MANE Select); coding-DNA position 2726, G replaced by A.
Protein change: p.Ser909Asn; replaces serine 909 with asparagine.
Molecular consequence: missense variant.
Genome position (GRCh38, 1-based): chr19:50,669,234, C>T on the plus strand (G>A on the coding strand, the complement: SHANK1 is on the minus strand). VCF-style: chr19-50669234-C-T. GRCh37 (hg19) VCF-style: chr19-51172491-C-T.
Other names: short protein forms S909N.
Identifiers: ClinVar variation 3795510 (VCV003795510.2).